The following is an entry in ClinVar:

NM_000843.4(GRM6):c.1337G>A (p.Arg446Gln)

Genes: ZNF454 (zinc finger protein 454; plus strand), GRM6 (glutamate metabotropic receptor 6; minus strand). Cytogenetic location: 5q35.3.
Variant type: single nucleotide variant.
Coding change: c.1337G>A on transcript NM_000843.4 (MANE Select); coding-DNA position 1337, G replaced by A.
Protein change: p.Arg446Gln; replaces arginine 446 with glutamine.
Molecular consequence: missense variant.
Genome position (GRCh38, 1-based): chr5:178,988,952, C>T on the plus strand (G>A on the coding strand, the complement: GRM6 is on the minus strand). VCF-style: chr5-178988952-C-T. GRCh37 (hg19) VCF-style: chr5-178415953-C-T.
Other names: short protein forms R446Q.
Identifiers: ClinVar variation 967264 (VCV000967264.10), dbSNP rs760980866, ClinGen allele CA3594120.
Genomic context (GRCh38, chr5:178,988,952, plus strand): 5'-CCAGCTGTCCTTCACTGCTGCAGGGGGGCAGGCACCCACTCACCATTGAAGCGGACAGCT[C>T]GAATGTACTGCAGAAGCATCCGCCCATCAGTGGGTTCCATCGCCGGGCACAGGCCTGTGT-3'
Protein context (NP_000834.2, residues 436-456): TDGRMLLQYI[Arg446Gln]AVRFNGSAGT

ClinVar aggregate classification (germline): Uncertain significance (1 of 4 stars; one submission).

Allele frequency attached by ClinVar (database versions not stated): gnomAD exomes below 0.00001 and 0.00001; TOPMed below 0.00001; ExAC 0.00001; gnomAD 0.00001.
gnomAD v4.1: 7 of 1,613,120 alleles (0.00043%); highest among the groups gnomAD compares: Admixed American, 0.0017%; no homozygotes.

Submission:

Labcorp Genetics (formerly Invitae), Labcorp
Classification: Uncertain significance. Last evaluated: 2022-06-08. Review status: criteria provided, single submitter. Criteria: Invitae Variant Classification Sherloc (09022015). Collection method: clinical testing. Allele origin: germline.
Comment: Algorithms developed to predict the effect of missense changes on protein structure and function are either unavailable or do not agree on the potential impact of this missense change (SIFT: "Tolerated"; PolyPhen-2: "Possibly Damaging"; Align-GVGD: "Class C0"). In summary, the available evidence is currently insufficient to determine the role of this variant in disease. Therefore, it has been classified as a Variant of Uncertain Significance. ClinVar contains an entry for this variant (Variation ID: 967264). This variant has not been reported in the literature in individuals affected with GRM6-related conditions. This variant is present in population databases (rs760980866, gnomAD 0.002%). This sequence change replaces arginine, which is basic and polar, with glutamine, which is neutral and polar, at codon 446 of the GRM6 protein (p.Arg446Gln).